The following is an entry in ClinVar:

NM_181672.3(OGT):c.2270A>G (p.Lys757Arg)

Gene: OGT (O-linked N-acetylglucosamine (GlcNAc) transferase; plus strand). Cytogenetic location: Xq13.1.
Variant type: single nucleotide variant.
Coding change: c.2270A>G on transcript NM_181672.3 (MANE Select); coding-DNA position 2270, A replaced by G.
Protein change: p.Lys757Arg; replaces lysine 757 with arginine.
Molecular consequence: missense variant.
Genome position (GRCh38, 1-based): chrX:71,563,333, A>G. VCF-style: chrX-71563333-A-G. GRCh37 (hg19) VCF-style: chrX-70783183-A-G.
Other names: c.2240A>G, p.Lys747Arg (NM_181673.3); short protein forms K747R, K757R.
Identifiers: ClinVar variation 5040476 (VCV005040476.1).
Genomic context (GRCh38, chrX:71,563,333, plus strand): 5'-GAAATAAAGTTAACTGCATTCACGATCTTTTCCCTAATGATGCATTTTTTTTTCAGATGA[A>G]GTGTCCTGATGGAGGAGACAATGCAGATAGCAGTAACACAGCTCTTAATATGCCTGTTAT-3'
Protein context (NP_858058.1, residues 747-767): SLPDVKIVKM[Lys757Arg]CPDGGDNADS

ClinVar aggregate classification (germline): Uncertain significance (1 of 4 stars; one submission).

gnomAD v4.1: 2 of 1,207,934 alleles (0.00017%); highest among the groups gnomAD compares: Non-Finnish European, 0.00022%; no homozygotes.

Submission:

CeGaT Center for Human Genetics Tuebingen
Classification: Uncertain significance. Last evaluated: 2026-08-01. Review status: criteria provided, single submitter. Criteria: CeGaT Center For Human Genetics Tuebingen Variant Classification Criteria Version 2. Collection method: clinical testing. Allele origin: germline. Affected: yes. Observed: 1 variant allele.
Comment: OGT: PM2:Supporting